The following is an entry in ClinVar:

NM_002004.4(FDPS):c.78G>A (p.Trp26Ter)

Gene: FDPS (farnesyl diphosphate synthase; plus strand). Cytogenetic location: 1q22.
Variant type: single nucleotide variant.
Coding change: c.78G>A on transcript NM_002004.4 (MANE Select); coding-DNA position 78, G replaced by A.
Protein change: p.Trp26Ter; replaces tryptophan 26 with a stop codon.
Molecular consequence: nonsense. On other transcripts: intron variant (5).
Genome position (GRCh38, 1-based): chr1:155,309,867, G>A. VCF-style: chr1-155309867-G-A. GRCh37 (hg19) VCF-style: chr1-155279658-G-A.
Other names: NC_000001.10:g.155279658G>A; c.78G>A, p.Trp26Ter (NM_001135821.2); c.-22-176G>A (NM_001378425.1, NM_001242824.2); c.-1-197G>A (NM_001378424.1, NM_001135822.2); c.-175+902G>A (NM_001242825.2); short protein forms W26*.
Identifiers: ClinVar variation 4279714 (VCV004279714.2).
Genomic context (GRCh38, chr1:155,309,867, plus strand): 5'-GTTGAGATCTGTGGGGGTCTTCCTGCTGCCAGCCCCCTACTGGGCACCCCGGGAGAGGTG[G>A]CTGGGTTCCCTACGGCGGCCCTCCCTGGTGCACGGGTACCCAGTCCTGGCCTGGCACAGT-3'

ClinVar aggregate classification (germline): Uncertain significance (1 of 4 stars; one submission).

Conditions:
response to aminobisphosphonates.

gnomAD v4.1: 9 of 1,589,546 alleles (0.00057%); highest among the groups gnomAD compares: African/African-American, 0.012%; no homozygotes.

Submissions (2):

Clinical Genomics Laboratory, Washington University in St. Louis
Classification: Uncertain significance for response to aminobisphosphonates. Last evaluated: 2025-03-05. Review status: criteria provided, single submitter. Criteria: ACMG Guidelines, 2015. Collection method: clinical testing. Allele origin: germline.
Comment: The FDPS c.78G>A (p.Trp26*) variant, to our knowledge, has not been reported in the medical literature. This variant is only observed on 9 out of 1,589,546 alleles in the general population (gnomAD v.4.), indicating it is not a common variant. This variant is predicted to result in nonsense mediated decay, but loss of function is not the known disease mechanism. Due to limited information, the clinical significance of this variant is uncertain

Dr. Peter K. Rogan Lab, Western University
No classification provided (evidence only). Condition: Hepatocellular carcinoma. Review status: no classification provided. Collection method: in vitro. Allele origin: not applicable. Functional consequence: retained intron. Not counted in ClinVar's aggregate classification.